The following is an entry in ClinVar:

NM_001458.5(FLNC):c.1463del (p.Gly488fs)

Gene: FLNC (filamin C; plus strand). Cytogenetic location: 7q32.1.
Variant type: Deletion.
Coding change: c.1463del on transcript NM_001458.5 (MANE Select); coding-DNA position 1463, one base deleted (G; older notation c.1463delG).
Protein change: p.Gly488fs; shifts the reading frame from glycine 488.
Molecular consequence: frameshift variant.
Genome position (GRCh38, 1-based): chr7:128,840,074, G deleted; the last of 3 consecutive G bases (chr7:128,840,072-128,840,074); deleting any one gives the same sequence. VCF-style (leftmost placement, unchanged base first): chr7-128840071-AG-A. GRCh37 (hg19) VCF-style: chr7-128480125-AG-A.
Other names: c.1463del, p.Gly488fs (NM_001127487.2); short protein forms G488fs.
Identifiers: ClinVar variation 1362593 (VCV001362593.6), dbSNP rs2128934867, ClinGen allele CA2573141702.
Genomic context (GRCh38, chr7:128,840,071, plus strand): 5'-TTCCTCCCCTAGCCTGTAACCCCAACGCCTGCCGCGCCTCTGGGCGAGGCCTGCAGCCCA[AG>A]GGTGTTCGCGTGAAAGAGGTGGCTGACTTCAAGGTGTTTACCAAGGGTGCCGGCAGCGGG-3'

ClinVar aggregate classification (germline): Pathogenic (1 of 4 stars; one submission).

Conditions:
Myofibrillar myopathy 5. Also called: FILAMINOPATHY, AUTOSOMAL DOMINANT; Filaminopathy (type). Identifiers: Orphanet 171445, MedGen C1836050, MONDO:0012289, OMIM 609524.
Distal myopathy with posterior leg and anterior hand involvement. Also called: WILLIAMS DISTAL MYOPATHY. Identifiers: Orphanet 63273, MedGen C3279722, MONDO:0013550, OMIM 614065.
Hypertrophic cardiomyopathy 26. Also called: Cardiomyopathy, familial hypertrophic, 26. Identifiers: Orphanet 75249, MedGen C4310749, MONDO:0014883, OMIM 617047.

Submission:

Labcorp Genetics (formerly Invitae), Labcorp
Classification: Pathogenic for Distal myopathy with posterior leg and anterior hand involvement; Myofibrillar myopathy 5; Hypertrophic cardiomyopathy 26. Last evaluated: 2023-07-07. Review status: criteria provided, single submitter. Criteria: Invitae Variant Classification Sherloc (09022015). Collection method: clinical testing. Allele origin: germline.
Comment: ClinVar contains an entry for this variant (Variation ID: 1362593). For these reasons, this variant has been classified as Pathogenic. This variant has not been reported in the literature in individuals affected with FLNC-related conditions. This variant is not present in population databases (gnomAD no frequency). This sequence change creates a premature translational stop signal (p.Gly488Valfs*4) in the FLNC gene. It is expected to result in an absent or disrupted protein product. Loss-of-function variants in FLNC are known to be pathogenic (PMID: 27908349).

Literature cited by the submitters: PubMed 27908349.